The following is an entry in ClinVar:

NM_001384910.1(GUCA1A):c.166G>A (p.Val56Met)

Genes: GUCA1ANB-GUCA1A (GUCA1ANB-GUCA1A readthrough; plus strand), GUCA1A (guanylate cyclase activator 1A; plus strand). Cytogenetic location: 6p21.1.
Variant type: single nucleotide variant.
Coding change: c.166G>A on transcript NM_001384910.1 (MANE Select); coding-DNA position 166, G replaced by A.
Protein change: p.Val56Met; replaces valine 56 with methionine.
Molecular consequence: missense variant.
Genome position (GRCh38, 1-based): chr6:42,173,779, G>A. VCF-style: chr6-42173779-G-A. GRCh37 (hg19) VCF-style: chr6-42141517-G-A.
Other names: c.166G>A, p.Val56Met (NM_000409.5, NM_001319061.2, NM_001319062.2); short protein forms V56M.
Identifiers: ClinVar variation 1383717 (VCV001383717.8), dbSNP rs759101140, ClinGen allele CA138135116.
Genomic context (GRCh38, chr6:42,173,779, plus strand): 5'-CTCTATGAGTTCCGCCAGTTCTTCGGCCTCAAGAACCTGAGCCCGTCGGCCAGCCAGTAC[G>A]TGGAACAGATGTTTGAGACTTTTGACTTCAACAAGGTGAGCAGGGGCCCAGTGGCAGGGA-3'
Protein context (NP_001371839.1, residues 46-66): KNLSPSASQY[Val56Met]EQMFETFDFN

ClinVar aggregate classification (germline): Uncertain significance (1 of 4 stars; one submission).

gnomAD v4.1: 75 of 1,613,958 alleles (0.0046%); highest among the groups gnomAD compares: Non-Finnish European, 0.0054%; no homozygotes.

Submission:

Labcorp Genetics (formerly Invitae), Labcorp
Classification: Uncertain significance. Last evaluated: 2025-03-04. Review status: criteria provided, single submitter. Criteria: Invitae Variant Classification Sherloc (09022015). Collection method: clinical testing. Allele origin: germline.
Comment: This sequence change replaces valine, which is neutral and non-polar, with methionine, which is neutral and non-polar, at codon 56 of the GUCA1A protein (p.Val56Met). The frequency data for this variant in the population databases is considered unreliable, as metrics indicate poor data quality at this position in the gnomAD database. This variant has not been reported in the literature in individuals affected with GUCA1A-related conditions. ClinVar contains an entry for this variant (Variation ID: 1383717). An algorithm developed to predict the effect of missense changes on protein structure and function (PolyPhen-2) suggests that this variant is likely to be disruptive. In summary, the available evidence is currently insufficient to determine the role of this variant in disease. Therefore, it has been classified as a Variant of Uncertain Significance.